The following is an entry in ClinVar:

ClinVar aggregate classification (germline): Uncertain significance. Review status: criteria provided, multiple submitters, no conflicts (2 of 4 stars). 2 submissions from 2 submitters: Uncertain significance (2). Last evaluated 2025-03-06.

Conditions:
Hereditary cancer-predisposing syndrome. Also called: Hereditary neoplastic syndrome; Neoplastic Syndromes, Hereditary; Hereditary Cancer Syndrome; Tumor predisposition. Identifiers: Orphanet 140162, MedGen C0027672, MeSH D009386, MONDO:0015356.
Parathyroid carcinoma (PRTC). Also called: Parathyroid gland carcinoma; CDC73-Related Parathyroid Carcinoma. Identifiers: Orphanet 143, MedGen C0687150, MONDO:0012004, OMIM 608266, HP:0006780.

Submissions (2):

Ambry Genetics
Classification: Uncertain significance for Hereditary cancer-predisposing syndrome. Last evaluated: 2025-03-06. Review status: criteria provided, single submitter. Criteria: Ambry Variant Classification Scheme 2023. Collection method: clinical testing. Allele origin: germline.
Comment: The p.R9P variant (also known as c.26G>C), located in coding exon 1 of the CDC73 gene, results from a G to C substitution at nucleotide position 26. The arginine at codon 9 is replaced by proline, an amino acid with dissimilar properties. This amino acid position is highly conserved in available vertebrate species. In addition, this alteration is predicted to be deleterious by in silico analysis. Based on the available evidence, the clinical significance of this variant remains unclear.

Labcorp Genetics (formerly Invitae), Labcorp
Classification: Uncertain significance for Parathyroid carcinoma. Last evaluated: 2022-07-28. Review status: criteria provided, single submitter. Criteria: Invitae Variant Classification Sherloc (09022015). Collection method: clinical testing. Allele origin: germline.
Comment: In summary, the available evidence is currently insufficient to determine the role of this variant in disease. Therefore, it has been classified as a Variant of Uncertain Significance. Algorithms developed to predict the effect of missense changes on protein structure and function are either unavailable or do not agree on the potential impact of this missense change (SIFT: "Deleterious"; PolyPhen-2: "Probably Damaging"; Align-GVGD: "Class C15"). This variant has not been reported in the literature in individuals affected with CDC73-related conditions. This variant is not present in population databases (gnomAD no frequency). This sequence change replaces arginine, which is basic and polar, with proline, which is neutral and non-polar, at codon 9 of the CDC73 protein (p.Arg9Pro).

NM_024529.5(CDC73):c.26G>C (p.Arg9Pro)

Gene: CDC73 (cell division cycle 73; plus strand). Cytogenetic location: 1q31.2.
Variant type: single nucleotide variant.
Coding change: c.26G>C on transcript NM_024529.5 (MANE Select); coding-DNA position 26, G replaced by C.
Protein change: p.Arg9Pro; replaces arginine 9 with proline.
Molecular consequence: missense variant.
Genome position (GRCh38, 1-based): chr1:193,122,226, G>C. VCF-style: chr1-193122226-G-C. GRCh37 (hg19) VCF-style: chr1-193091356-G-C.
Other names: short protein forms R9P.
Identifiers: ClinVar variation 1719933 (VCV001719933.9), dbSNP rs2103111603, ClinGen allele CA343972773.
Genomic context (GRCh38, chr1:193,122,226, plus strand): 5'-GGCGCCCCGAGCCGGCGGAGGCGAGGGGGGGGAAGATGGCGGACGTGCTTAGCGTCCTGC[G>C]ACAGTACAACATCCAGAAGAAGGAGATTGTGGTGAAGGGAGACGAAGTGATCTTCGGGGA-3'
Protein context (NP_078805.3, residues 1-19): MADVLSVL[Arg9Pro]QYNIQKKEIV